The following is an entry in ClinVar:

NM_152594.3(SPRED1):c.449C>T (p.Ser150Phe)

Gene: SPRED1 (sprouty related EVH1 domain containing 1; plus strand). Cytogenetic location: 15q14.
Variant type: single nucleotide variant.
Coding change: c.449C>T on transcript NM_152594.3 (MANE Select); coding-DNA position 449, C replaced by T.
Protein change: p.Ser150Phe; replaces serine 150 with phenylalanine.
Molecular consequence: missense variant.
Genome position (GRCh38, 1-based): chr15:38,339,762, C>T. VCF-style: chr15-38339762-C-T. GRCh37 (hg19) VCF-style: chr15-38631963-C-T.
Other names: short protein forms S150F.
Identifiers: ClinVar variation 492894 (VCV000492894.2), dbSNP rs1555392025, ClinGen allele CA391932459.

ClinVar aggregate classification (germline): Uncertain significance. Review status: criteria provided, single submitter (1 of 4 stars). 2 submissions from 2 submitters: Uncertain significance (1). 1 of the submissions does not count toward it. Last evaluated 2026-04-18.

Conditions:
Cardiovascular phenotype. Identifiers: MedGen CN230736.
Legius syndrome. Identifiers: Orphanet 137605, MedGen C1969623, MONDO:0012669, OMIM 611431. Disease mechanism: loss of function.

Allele frequency attached by ClinVar (database versions not stated): gnomAD exomes below 0.00001.
gnomAD v4.1: 4 of 1,613,846 alleles (0.00025%); highest among the groups gnomAD compares: Non-Finnish European, 0.00034%; no homozygotes.

Submissions (2):

Ambry Genetics
Classification: Uncertain significance for Cardiovascular phenotype. Last evaluated: 2026-04-18. Review status: criteria provided, single submitter. Criteria: Ambry Variant Classification Scheme 2023. Collection method: clinical testing. Allele origin: germline.
Comment: The p.S150F variant (also known as c.449C>T), located in coding exon 5 of the SPRED1 gene, results from a C to T substitution at nucleotide position 449. The serine at codon 150 is replaced by phenylalanine, an amino acid with highly dissimilar properties. This amino acid position is conserved. In addition, this alteration is predicted to be tolerated by in silico analysis. Based on the available evidence, the clinical significance of this variant remains unclear.

Clinical Molecular Genetics Laboratory, Johns Hopkins All Children's Hospital
Classification: Uncertain significance for Legius syndrome. Last evaluated: 2014-12-09. Review status: no assertion criteria provided. Collection method: clinical testing. Allele origin: germline. Affected: yes. Not counted in ClinVar's aggregate classification.